The following is an entry in ClinVar:

NM_000061.3(BTK):c.1900T>C (p.Trp634Arg)

Gene: BTK (Bruton tyrosine kinase; minus strand). Cytogenetic location: Xq22.1.
Variant type: single nucleotide variant.
Coding change: c.1900T>C on transcript NM_000061.3 (MANE Select); coding-DNA position 1900, T replaced by C.
Protein change: p.Trp634Arg; replaces tryptophan 634 with arginine.
Molecular consequence: missense variant.
Genome position (GRCh38, 1-based): chrX:101,353,202, A>G on the plus strand (T>C on the coding strand, the complement: BTK is on the minus strand). VCF-style: chrX-101353202-A-G. GRCh37 (hg19) VCF-style: chrX-100608190-A-G.
Other names: c.2002T>C, p.Trp668Arg (NM_001287344.2); c.1372T>C, p.Trp458Arg (NM_001287345.2); short protein forms W458R, W634R, W668R.
Identifiers: ClinVar variation 2585028 (VCV002585028.2), dbSNP rs2520526702, ClinGen allele CA413918378.

ClinVar aggregate classification (germline): Uncertain significance. Review status: criteria provided, multiple submitters, no conflicts (2 of 4 stars). 2 submissions from 2 submitters: Uncertain significance (2). Last evaluated 2024-06-13.

Conditions:
X-linked agammaglobulinemia (XLA). Also called: Bruton-type agammaglobulinemia; Agammaglobulinemia, Bruton tyrosine kinase; Agammaglobulinemia, BTK; BTK-deficiency; Bruton's agammaglobulinemia; AGAMMAGLOBULINEMIA, X-LINKED, TYPE 1. Identifiers: Orphanet 229717, Orphanet 47, MedGen C0221026, MONDO:0010421, OMIM 300755.

Submissions (2):

3billion
Classification: Uncertain significance for X-linked agammaglobulinemia. Last evaluated: 2024-06-13. Review status: criteria provided, single submitter. Criteria: ACMG Guidelines, 2015. Collection method: clinical testing. Allele origin: germline. Affected: yes.
Comment: The variant is not observed in the gnomAD v4.0.0 dataset. Predicted Consequence/Location: Missense variant In silico tool predictions suggest damaging effect of the variant on gene or gene product [REVEL: 0.93 (>=0.6, sensitivity 0.68 and specificity 0.92); 3Cnet: 0.79 (>=0.6, sensitivity 0.72 and precision 0.9)]. Different missense changes at the same codon (p.Trp634Cys, p.Trp634Gly, p.Trp634Leu, p.Trp634Ser) have been reported to be associated with BTK-related disorder (ClinVar ID: VCV000852828 /PMID: 12655572, 25777788, 27512878, 35245483). Therefore, this variant is classified as VUS according to the recommendation of ACMG/AMP guideline.

Neuberg Centre For Genomic Medicine, NCGM
Classification: Uncertain significance for X-linked agammaglobulinemia. Review status: criteria provided, single submitter. Criteria: ACMG Guidelines, 2015. Collection method: clinical testing. Allele origin: germline. Inheritance: X-linked inheritance. Affected: yes.
Comment: The missense variant c.2002T>C (p.Trp668Arg) in BTK gene has not been reported previously as a pathogenic variant nor as a benign variant, to our knowledge. The p.Trp668Arg variant is novel (not in any individuals) in gnomAD Exomes and 1000 Genomes. The amino acid Trp at position 668 is changed to a Arg changing protein sequence and it might alter its composition and physico-chemical properties. The variant is predicted to be damaging by both SIFT and PolyPhen2. The residue is conserved across species. The amino acid change p.Trp668Arg in BTK is predicted as conserved by GERP++ and PhyloP across 100 vertebrates. For these reasons, this variant has been classified as Uncertain Significance .

Literature cited by the submitters: PubMed 12655572 (cited by 3billion).